The following is an entry in ClinVar:

NM_005676.5(RBM10):c.670G>A (p.Val224Ile)

Genes: RBM10 (RNA binding motif protein 10; plus strand), LOC126863252 (CDK7 strongly-dependent group 2 enhancer GRCh37_chrX:47037923-47039122; plus strand). Cytogenetic location: Xp11.3.
Variant type: single nucleotide variant.
Coding change: c.670G>A on transcript NM_005676.5 (MANE Select); coding-DNA position 670, G replaced by A.
Protein change: p.Val224Ile; replaces valine 224 with isoleucine.
Molecular consequence: missense variant.
Genome position (GRCh38, 1-based): chrX:47,179,109, G>A. VCF-style: chrX-47179109-G-A. GRCh37 (hg19) VCF-style: chrX-47038508-G-A.
Other names: c.439G>A, p.Val147Ile (NM_001204466.2, NM_152856.3); c.670G>A, p.Val224Ile (NM_001204467.2); c.865G>A, p.Val289Ile (NM_001204468.2); short protein forms V224I, V289I, V147I.
Identifiers: ClinVar variation 2900275 (VCV002900275.3), dbSNP rs781804786, ClinGen allele CA10395165.

ClinVar aggregate classification (germline): Uncertain significance (1 of 4 stars; one submission).

Allele frequency attached by ClinVar (database versions not stated): gnomAD exomes below 0.00001; gnomAD 0.00001; TOPMed 0.00001; ExAC 0.00004.
gnomAD v4.1: 4 of 1,206,896 alleles (0.00033%); highest among the groups gnomAD compares: South Asian, 0.0018%; no homozygotes.

Submission:

Labcorp Genetics (formerly Invitae), Labcorp
Classification: Uncertain significance. Last evaluated: 2023-10-27. Review status: criteria provided, single submitter. Criteria: Invitae Variant Classification Sherloc (09022015). Collection method: clinical testing. Allele origin: germline.
Comment: This sequence change replaces valine, which is neutral and non-polar, with isoleucine, which is neutral and non-polar, at codon 224 of the RBM10 protein (p.Val224Ile). The frequency data for this variant in the population databases is considered unreliable, as metrics indicate poor data quality at this position in the gnomAD database. This variant has not been reported in the literature in individuals affected with RBM10-related conditions. Advanced modeling of protein sequence and biophysical properties (such as structural, functional, and spatial information, amino acid conservation, physicochemical variation, residue mobility, and thermodynamic stability) performed at Invitae indicates that this missense variant is not expected to disrupt RBM10 protein function with a negative predictive value of 80%. In summary, the available evidence is currently insufficient to determine the role of this variant in disease. Therefore, it has been classified as a Variant of Uncertain Significance.